The following is an entry in ClinVar:

ClinVar aggregate classification (germline): Uncertain significance. Review status: criteria provided, multiple submitters, no conflicts (2 of 4 stars). 2 submissions from 2 submitters: Uncertain significance (2). Last evaluated 2022-03-03.

Conditions:
Autosomal dominant nonsyndromic hearing loss 11. Identifiers: Orphanet 90635, MedGen C1832475, MONDO:0011032, OMIM 601317.

Submissions (2):

Labcorp Genetics (formerly Invitae), Labcorp
Classification: Uncertain significance. Last evaluated: 2022-03-03. Review status: criteria provided, single submitter. Criteria: Invitae Variant Classification Sherloc (09022015). Collection method: clinical testing. Allele origin: germline.
Comment: In summary, the available evidence is currently insufficient to determine the role of this variant in disease. Therefore, it has been classified as a Variant of Uncertain Significance. Advanced modeling of protein sequence and biophysical properties (such as structural, functional, and spatial information, amino acid conservation, physicochemical variation, residue mobility, and thermodynamic stability) performed at Invitae indicates that this missense variant is expected to disrupt MYO7A protein function. ClinVar contains an entry for this variant (Variation ID: 932085). This variant has not been reported in the literature in individuals affected with MYO7A-related conditions. This variant is not present in population databases (gnomAD no frequency). This sequence change replaces methionine, which is neutral and non-polar, with isoleucine, which is neutral and non-polar, at codon 1994 of the MYO7A protein (p.Met1994Ile).

Centre for Mendelian Genomics, University Medical Centre Ljubljana
Classification: Uncertain significance for Autosomal dominant nonsyndromic hearing loss 11. Last evaluated: 2019-03-17. Review status: criteria provided, single submitter. Criteria: ACMG Guidelines, 2015. Collection method: clinical testing. Allele origin: unknown. Affected: yes.
Comment: This variant was classified as: Uncertain significance. The available evidence on this variant's pathogenicity is insufficient or conflicting. The following ACMG criteria were applied in classifying this variant: PM2,PP3.

NM_000260.4(MYO7A):c.5982G>A (p.Met1994Ile)

Gene: MYO7A (myosin VIIA; plus strand). Cytogenetic location: 11q13.5.
Variant type: single nucleotide variant.
Coding change: c.5982G>A on transcript NM_000260.4 (MANE Select); coding-DNA position 5982, G replaced by A.
Protein change: p.Met1994Ile; replaces methionine 1994 with isoleucine.
Molecular consequence: missense variant.
Genome position (GRCh38, 1-based): chr11:77,208,734, G>A. VCF-style: chr11-77208734-G-A. GRCh37 (hg19) VCF-style: chr11-76919779-G-A.
Other names: c.5868G>A, p.Met1956Ile (NM_001127180.2); c.5835G>A, p.Met1945Ile (NM_001369365.1); short protein forms M1956I, M1945I, M1994I.
Identifiers: ClinVar variation 932085 (VCV000932085.8), dbSNP rs1957644487, ClinGen allele CA381934246.